The following is an entry in ClinVar:

NM_004336.5(BUB1):c.2879C>A (p.Thr960Asn)

Gene: BUB1 (BUB1 mitotic checkpoint serine/threonine kinase; minus strand). Cytogenetic location: 2q13.
Variant type: single nucleotide variant.
Coding change: c.2879C>A on transcript NM_004336.5 (MANE Select); coding-DNA position 2879, C replaced by A.
Protein change: p.Thr960Asn; replaces threonine 960 with asparagine.
Molecular consequence: missense variant.
Genome position (GRCh38, 1-based): chr2:110,641,110, G>T on the plus strand (C>A on the coding strand, the complement: BUB1 is on the minus strand). VCF-style: chr2-110641110-G-T. GRCh37 (hg19) VCF-style: chr2-111398687-G-T.
Other names: c.2819C>A, p.Thr940Asn (NM_001278616.2); c.2708C>A, p.Thr903Asn (NM_001278617.2); short protein forms T960N, T903N, T940N.
Identifiers: ClinVar variation 1797135 (VCV001797135.3), dbSNP rs1442217619, ClinGen allele CA348089097.

ClinVar aggregate classification (germline): Uncertain significance (1 of 4 stars; one submission).

Allele frequency attached by ClinVar (database versions not stated): gnomAD exomes below 0.00001.

Submission:

Ambry Genetics
Classification: Uncertain significance. Last evaluated: 2024-08-18. Review status: criteria provided, single submitter. Criteria: Ambry Variant Classification Scheme 2023. Collection method: clinical testing. Allele origin: germline.
Comment: The p.T960N variant (also known as c.2879C>A), located in coding exon 23 of the BUB1 gene, results from a C to A substitution at nucleotide position 2879. The threonine at codon 960 is replaced by asparagine, an amino acid with similar properties. This amino acid position is conserved. In addition, this alteration is predicted to be tolerated by in silico analysis. Since supporting evidence is limited at this time, the clinical significance of this alteration remains unclear.